The following is an entry in ClinVar:

ClinVar aggregate classification (germline): Likely benign. Review status: criteria provided, multiple submitters, no conflicts (2 of 4 stars). 3 submissions from 3 submitters: Likely benign (2). 1 of the submissions does not count toward it. Last evaluated 2024-06-11.

Conditions:
Nephronophthisis 15 (NPHP15). Identifiers: Orphanet 3156, MedGen C3541853, MONDO:0013917, OMIM 614845.
CEP164-related disorder. Also called: CEP164-related condition.

Allele frequency attached by ClinVar (database versions not stated): gnomAD exomes below 0.00001 and 0.00001; ExAC 0.00001; gnomAD 0.00001; ESP Exome Variant Server 0.00008.
gnomAD v4.1: 19 of 1,613,392 alleles (0.0012%); highest among the groups gnomAD compares: Non-Finnish European, 0.0016%; no homozygotes.

Submissions (3):

Blueprint Genetics
Classification: Likely benign. Last evaluated: 2024-06-11. Review status: criteria provided, single submitter. Criteria: ACMG Guidelines, 2015. Collection method: clinical testing. Allele origin: germline.

Labcorp Genetics (formerly Invitae), Labcorp
Classification: Likely benign for Nephronophthisis 15. Last evaluated: 2022-11-01. Review status: criteria provided, single submitter. Criteria: Invitae Variant Classification Sherloc (09022015). Collection method: clinical testing. Allele origin: germline.

PreventionGenetics, part of Exact Sciences
Classification: Likely benign for CEP164-related condition. Last evaluated: 2019-11-06. Review status: no assertion criteria provided. Collection method: clinical testing. Allele origin: germline. Not counted in ClinVar's aggregate classification.
Comment: This variant is classified as likely benign based on ACMG/AMP sequence variant interpretation guidelines (Richards et al. 2015 PMID: 25741868, with internal and published modifications).

NM_014956.5(CEP164):c.276T>C (p.Tyr92=)

Gene: CEP164 (centrosomal protein 164; plus strand). Cytogenetic location: 11q23.3.
Variant type: single nucleotide variant.
Coding change: c.276T>C on transcript NM_014956.5 (MANE Select); coding-DNA position 276, T replaced by C.
Protein change: p.Tyr92=; no amino-acid change (tyrosine 92 retained).
Molecular consequence: synonymous variant.
Genome position (GRCh38, 1-based): chr11:117,351,871, T>C. VCF-style: chr11-117351871-T-C. GRCh37 (hg19) VCF-style: chr11-117222587-T-C.
Other names: c.276T>C, p.Tyr92= (NM_001271933.2); c.276T>C (NM_014956.4).
Identifiers: ClinVar variation 1614373 (VCV001614373.10), dbSNP rs373403222, ClinGen allele CA6294385.